The following is an entry in ClinVar:

ClinVar aggregate classification (germline): Uncertain significance (1 of 4 stars; one submission).

Allele frequency attached by ClinVar (database versions not stated): gnomAD exomes below 0.00001 and 0.00001; ExAC 0.00001.
gnomAD v4.1: 2 of 1,614,034 alleles (0.00012%); highest among the groups gnomAD compares: African/African-American, 0.0027%; no homozygotes.

Submission:

Labcorp Genetics (formerly Invitae), Labcorp
Classification: Uncertain significance. Last evaluated: 2022-06-27. Review status: criteria provided, single submitter. Criteria: Invitae Variant Classification Sherloc (09022015). Collection method: clinical testing. Allele origin: germline.
Comment: Advanced modeling of protein sequence and biophysical properties (such as structural, functional, and spatial information, amino acid conservation, physicochemical variation, residue mobility, and thermodynamic stability) performed at Invitae indicates that this missense variant is expected to disrupt CPLANE1 protein function. This variant has not been reported in the literature in individuals affected with CPLANE1-related conditions. This variant is present in population databases (rs766869139, gnomAD 0.01%). This sequence change replaces aspartic acid, which is acidic and polar, with glycine, which is neutral and non-polar, at codon 1475 of the CPLANE1 protein (p.Asp1475Gly). Algorithms developed to predict the effect of sequence changes on RNA splicing suggest that this variant may disrupt the consensus splice site. In summary, the available evidence is currently insufficient to determine the role of this variant in disease. Therefore, it has been classified as a Variant of Uncertain Significance.

NM_001384732.1(CPLANE1):c.4424A>G (p.Asp1475Gly)

Genes: CPLANE1 (ciliogenesis and planar polarity effector complex subunit 1; minus strand), LOC129389274 (MPRA-validated peak5227 silencer; plus strand). Cytogenetic location: 5p13.2.
Variant type: single nucleotide variant.
Coding change: c.4424A>G on transcript NM_001384732.1 (MANE Select); coding-DNA position 4424, A replaced by G.
Protein change: p.Asp1475Gly; replaces aspartic acid 1475 with glycine.
Molecular consequence: missense variant.
Genome position (GRCh38, 1-based): chr5:37,184,845, T>C on the plus strand (A>G on the coding strand, the complement: CPLANE1 is on the minus strand). VCF-style: chr5-37184845-T-C. GRCh37 (hg19) VCF-style: chr5-37184947-T-C.
Other names: c.4424A>G, p.Asp1475Gly (NM_023073.4); short protein forms D1475G.
Identifiers: ClinVar variation 1516870 (VCV001516870.8), dbSNP rs766869139, ClinGen allele CA3238707.
Genomic context (GRCh38, chr5:37,184,845, plus strand): 5'-TACCTTTGATAGATATTTATCCTACTTTTTTCTTCAACCGACAAAGCTTCAGAGAACGTA[T>C]CTGCATCACTGTGAACCACAGAATCTCCTAGTTCTGTGAGTGTACTTCTGCTCAAACTAG-3'
Protein context (NP_001371661.1, residues 1465-1485): LGDSVVHSDA[Asp1475Gly]TFSEALSVEE